The following is an entry in ClinVar:

NM_000388.4(CASR):c.1773_1774del (p.Ser591_Asn592insTer)

Gene: CASR (calcium sensing receptor; plus strand). Cytogenetic location: 3q21.1.
Variant type: Deletion.
Coding change: c.1773_1774del on transcript NM_000388.4 (MANE Select); coding-DNA positions 1773 to 1774, 2 bases deleted (CA; older notation c.1773_1774delCA).
Protein change: p.Ser591_Asn592insTer.
Molecular consequence: frameshift variant.
Genome position (GRCh38, 1-based): chr3:122,283,727-122,283,728, CA deleted. VCF-style (leftmost placement, unchanged base first): chr3-122283726-CCA-C. GRCh37 (hg19) VCF-style: chr3-122002573-CCA-C.
Other names: c.1803_1804del, p.Ser601_Asn602insTer (NM_001178065.2).
Identifiers: ClinVar variation 1074921 (VCV001074921.9), dbSNP rs2107649385, ClinGen allele CA2499216408.

ClinVar aggregate classification (germline): Pathogenic (1 of 4 stars; one submission).

Conditions:
Familial hypocalciuric hypercalcemia (FHH). Also called: Familial benign hypercalcemia. Identifiers: Orphanet 405, MedGen C1809471, MONDO:0018458.
Autosomal dominant hypocalcemia 1 (HYPOC1). Also called: HYPOCALCEMIA, FAMILIAL. Identifiers: MedGen C3715128, MONDO:0011013, OMIM 601198.

Submission:

Labcorp Genetics (formerly Invitae), Labcorp
Classification: Pathogenic for Familial hypocalciuric hypercalcemia; Autosomal dominant hypocalcemia 1. Last evaluated: 2020-10-27. Review status: criteria provided, single submitter. Criteria: Invitae Variant Classification Sherloc (09022015). Collection method: clinical testing. Allele origin: germline.
Comment: This sequence change creates a premature translational stop signal (p.Asn592*) in the CASR gene. While this is not anticipated to result in nonsense mediated decay, it is expected to disrupt the last 487 amino acid(s) of the CASR protein. For these reasons, this variant has been classified as Pathogenic. This variant disrupts the C-terminus of the CASR protein. Other variant(s) that disrupt this region (p.Lys882fs) have been determined to be pathogenic (PMID: 7717399, 9217223, 9109436, 20374733). This suggests that variants that disrupt this region of the protein are likely to be causative of disease. This variant has not been reported in the literature in individuals with CASR-related conditions. This variant is not present in population databases (ExAC no frequency).

Literature cited by the submitters: PubMed 7717399; PubMed 9217223; PubMed 9109436; PubMed 20374733.